The following is an entry in ClinVar:

ClinVar aggregate classification (germline): Benign/Likely benign. Review status: criteria provided, multiple submitters, no conflicts (2 of 4 stars). 3 submissions from 3 submitters: Benign (1); Likely benign (2). Last evaluated 2026-05-01.

Allele frequency attached by ClinVar (database versions not stated): gnomAD exomes 0.00015 and 0.00071; gnomAD 0.00019 and 0.00026; TOPMed 0.00032; ExAC 0.00063; 1000 Genomes Project 30x 0.00156; 1000 Genomes Project 0.00180.
gnomAD v4.1: 297 of 1,611,442 alleles (0.018%); highest among the groups gnomAD compares: East Asian, 0.53%; 1 homozygote.

Submissions (3):

CeGaT Center for Human Genetics Tuebingen
Classification: Likely benign. Last evaluated: 2026-05-01. Review status: criteria provided, single submitter. Criteria: CeGaT Center For Human Genetics Tuebingen Variant Classification Criteria Version 2. Collection method: clinical testing. Allele origin: germline. Affected: yes. Observed: 3 variant alleles.
Comment: CAMK2B: BP4, BP7, BS1

Labcorp Genetics (formerly Invitae), Labcorp
Classification: Benign. Last evaluated: 2026-01-12. Review status: criteria provided, single submitter. Criteria: Invitae Variant Classification Sherloc (09022015). Collection method: clinical testing. Allele origin: germline.

Blueprint Genetics
Classification: Likely benign. Last evaluated: 2024-09-17. Review status: criteria provided, single submitter. Criteria: ACMG Guidelines, 2015. Collection method: clinical testing. Allele origin: germline.

NM_001220.5(CAMK2B):c.1899C>T (p.Arg633=)

Gene: CAMK2B (calcium/calmodulin dependent protein kinase II beta; minus strand). Cytogenetic location: 7p13.
Variant type: single nucleotide variant.
Coding change: c.1899C>T on transcript NM_001220.5 (MANE Select); coding-DNA position 1899, C replaced by T.
Protein change: p.Arg633=; no amino-acid change (arginine 633 retained).
Molecular consequence: synonymous variant.
Genome position (GRCh38, 1-based): chr7:44,220,164, G>A on the plus strand (C>T on the coding strand, the complement: CAMK2B is on the minus strand). VCF-style: chr7-44220164-G-A. GRCh37 (hg19) VCF-style: chr7-44259763-G-A.
Other names: c.1527C>T, p.Arg509= (NM_001293170.2, NM_172078.3); c.1455C>T, p.Arg485= (NM_172079.3); c.1452C>T, p.Arg484= (NM_172080.3); c.1410C>T, p.Arg470= (NM_172081.3); c.1377C>T, p.Arg459= (NM_172082.3); c.1338C>T, p.Arg446= (NM_172083.3); c.1248C>T, p.Arg416= (NM_172084.3).
Identifiers: ClinVar variation 1651922 (VCV001651922.30), dbSNP rs56387313, ClinGen allele CA4240066.
Genomic context (GRCh38, chr7:44,220,164, plus strand): 5'-CACGTTCTGCCACTTGCCGTCGCGGCGGTGCCACACGCGGGTCTCCTCAGACTGGCTGGT[G>A]CGGGGCCGGCCCTGCCCGTCAATGTACTGCGTGAGCCGGATGTAAGCGATGCAGGCGGCA-3'
Protein context (NP_001211.3, residues 623-643): TQYIDGQGRP[Arg633=]TSQSEETRVW